The following is an entry in ClinVar:

ClinVar aggregate classification (germline): Likely pathogenic (1 of 4 stars; one submission).

Submissions (2):

GeneDx
Classification: Likely pathogenic. Last evaluated: 2019-11-18. Review status: criteria provided, single submitter. Criteria: GeneDx Variant Classification Process June 2021. Collection method: clinical testing. Allele origin: germline. Affected: yes.
Comment: Has not been previously published as pathogenic or benign to our knowledge; Not observed in large population cohorts (Lek et al., 2016); Nonsense variant in the C-terminus predicted to result in protein truncation, as the last 40 amino acids are lost, and other loss-of-function variants have been reported downstream in the Human Gene Mutation Database (Stenson et al., 2014)

Roden Lab, Vanderbilt University Medical Center
No classification provided (evidence only). Condition: Long QT syndrome 5. Review status: no classification provided. Collection method: in vitro. Allele origin: not applicable. Functional consequence: Effect on ion channel function. Not counted in ClinVar's aggregate classification.
ClinVar note: "not provided" was previously submitted as the classification for the variant. However, the classification appeared to be based only on an observation of functional data so it was converted to no classification on 2025-07-30.

NM_000219.6(KCNE1):c.268A>T (p.Lys90Ter)

Gene: KCNE1 (potassium voltage-gated channel subfamily E regulatory subunit 1; minus strand). Cytogenetic location: 21q22.12.
Variant type: single nucleotide variant.
Coding change: c.268A>T on transcript NM_000219.6 (MANE Select); coding-DNA position 268, A replaced by T.
Protein change: p.Lys90Ter; replaces lysine 90 with a stop codon.
Molecular consequence: nonsense.
Genome position (GRCh38, 1-based): chr21:34,449,367, T>A on the plus strand (A>T on the coding strand, the complement: KCNE1 is on the minus strand). VCF-style: chr21-34449367-T-A. GRCh37 (hg19) VCF-style: chr21-35821665-T-A.
Other names: c.268A>T, p.Lys90Ter (NM_001127668.4, NM_001127669.4, NM_001127670.4 and 4 more transcripts); short protein forms K90*.
Identifiers: ClinVar variation 620398 (VCV000620398.5), dbSNP rs1568835906, ClinGen allele CA410198139.